The following is an entry in ClinVar:

NM_005751.5(AKAP9):c.4918-5T>C

Genes: AKAP9 (A-kinase anchoring protein 9; plus strand), LOC121175350 (Sharpr-MPRA regulatory region 2641; plus strand). Cytogenetic location: 7q21.2.
Variant type: single nucleotide variant.
Coding change: c.4918-5T>C on transcript NM_005751.5 (MANE Select); 5 bases into the intron before coding-DNA position 4918, T replaced by C.
Molecular consequence: intron variant.
Genome position (GRCh38, 1-based): chr7:92,042,041, T>C. VCF-style: chr7-92042041-T-C. GRCh37 (hg19) VCF-style: chr7-91671355-T-C.
Other names: c.4918-5T>C (NM_147185.3).
Identifiers: ClinVar variation 4845179 (VCV004845179.1).

ClinVar aggregate classification (germline): Uncertain significance (1 of 4 stars; one submission).

Conditions:
Cardiovascular phenotype. Identifiers: MedGen CN230736.

Submission:

Ambry Genetics
Classification: Uncertain significance for Cardiovascular phenotype. Last evaluated: 2026-02-25. Review status: criteria provided, single submitter. Criteria: Ambry Variant Classification Scheme 2023. Collection method: clinical testing. Allele origin: germline.
Comment: The c.4918-5T>C intronic variant results from a T to C substitution 5 nucleotides upstream from coding exon 19 in the AKAP9 gene. This nucleotide position is well conserved in available vertebrate species. In silico splice site analysis predicts that this alteration will not have any significant effect on splicing. The evidence for this gene-disease relationship is limited; therefore, the clinical significance of this variant is unclear.